The following is an entry in ClinVar:

NM_052867.4(NALCN):c.985A>G (p.Arg329Gly)

Gene: NALCN (sodium leak channel, non-selective; minus strand). Cytogenetic location: 13q33.1.
Variant type: single nucleotide variant.
Coding change: c.985A>G on transcript NM_052867.4 (MANE Select); coding-DNA position 985, A replaced by G.
Protein change: p.Arg329Gly; replaces arginine 329 with glycine.
Molecular consequence: missense variant.
Genome position (GRCh38, 1-based): chr13:101,292,052, T>C on the plus strand (A>G on the coding strand, the complement: NALCN is on the minus strand). VCF-style: chr13-101292052-T-C. GRCh37 (hg19) VCF-style: chr13-101944403-T-C.
Other names: c.985A>G, p.Arg329Gly (NM_001350748.2, NM_001350749.2, NM_001350750.2 and 1 more transcripts); short protein forms R329G.
Identifiers: ClinVar variation 369675 (VCV000369675.4), dbSNP rs1057516040, ClinGen allele CA10654765.
Genomic context (GRCh38, chr13:101,292,052, plus strand): 5'-GGGTGGTGGCTGTTGAGGTAGTGCTGCTTCTCGATCCCCACATTTGTTGAAACTGTACTC[T>C]GATTTCTGCAAATGTTTCAATGATAACAGCAATAAACACGTTCTGAAAAAAATCACAAAC-3'
Protein context (NP_443099.1, residues 319-339): AVIIETFAEI[Arg329Gly]VQFQQMWGSR

ClinVar aggregate classification (germline): Pathogenic/Likely pathogenic. Review status: criteria provided, multiple submitters, no conflicts (2 of 4 stars). 2 submissions from 2 submitters: Pathogenic (1); Likely pathogenic (1). Last evaluated 2025-10-12.

Conditions:
Congenital contractures of the limbs and face, hypotonia, and developmental delay (CLIFAHDD). Identifiers: Orphanet 562528, MedGen C4225398, MONDO:0014556, OMIM 616266.

Submissions (2):

Labcorp Genetics (formerly Invitae), Labcorp
Classification: Pathogenic. Last evaluated: 2025-10-12. Review status: criteria provided, single submitter. Criteria: Invitae Variant Classification Sherloc (09022015). Collection method: clinical testing. Allele origin: germline.
Comment: This sequence change replaces arginine, which is basic and polar, with glycine, which is neutral and non-polar, at codon 329 of the NALCN protein (p.Arg329Gly). This variant is not present in population databases (gnomAD no frequency). This missense change has been observed in individual(s) with clinical features of NALCN-related conditions (PMID: 26938784; internal data). In at least one individual the variant was observed to be de novo. ClinVar contains an entry for this variant (Variation ID: 369675). Invitae Evidence Modeling of protein sequence and biophysical properties (such as structural, functional, and spatial information, amino acid conservation, physicochemical variation, residue mobility, and thermodynamic stability) indicates that this missense variant is expected to disrupt NALCN protein function with a positive predictive value of 80%. For these reasons, this variant has been classified as Pathogenic.

Victorian Clinical Genetics Services, Murdoch Childrens Research Institute
Classification: Likely pathogenic for Congenital contractures of the limbs and face, hypotonia, and developmental delay. Last evaluated: 2015-07-21. Review status: criteria provided, single submitter. Criteria: ACMG Guidelines, 2015. Collection method: clinical testing. Allele origin: de novo. Inheritance: Autosomal dominant inheritance. Affected: yes. Observed: 1 variant allele.
Comment: This substitution is predicted to result in a change of an arginine to a glycine at position 329, NP_443099.1, p.(Arg329Gly). The amino acid at this position is highly conserved, and in the transmembrane domain. This substitution is predicted to be disease-causing by in silico models, and is novel. Grantham assessment is likely deleterious based on conservation and amino acid properties.

Literature cited by the submitters: PubMed 26938784 (cited by Labcorp Genetics (formerly Invitae), Labcorp and Victorian Clinical Genetics Services, Murdoch Childrens Research Institute).